The following is an entry in ClinVar:

NM_014757.5(MAML1):c.1163G>T (p.Gly388Val)

Gene: MAML1 (mastermind like transcriptional coactivator 1; plus strand). Cytogenetic location: 5q35.3.
Variant type: single nucleotide variant.
Coding change: c.1163G>T on transcript NM_014757.5 (MANE Select); coding-DNA position 1163, G replaced by T.
Protein change: p.Gly388Val; replaces glycine 388 with valine.
Molecular consequence: missense variant.
Genome position (GRCh38, 1-based): chr5:179,766,173, G>T. VCF-style: chr5-179766173-G-T. GRCh37 (hg19) VCF-style: chr5-179193174-G-T.
Other names: short protein forms G388V.
Identifiers: ClinVar variation 161684 (VCV000161684.2), dbSNP rs193920768, ClinGen allele CA174594.

ClinVar aggregate classification (germline): Uncertain significance (0 of 4 stars; one submission).

Conditions:
Prostate cancer. Also called: Malignant tumor of prostate. Identifiers: Orphanet 1331, MedGen C0376358, MONDO:0008315, HP:0012125.

Submission:

Science for Life laboratory,  Karolinska Institutet
Classification: Uncertain significance for Malignant tumor of prostate. Review status: no assertion criteria provided. Collection method: not provided. Allele origin: somatic.
Comment: TumorID:SWE-1
ClinVar note: Converted during submission from Unknown to Uncertain significance.